The following is an entry in ClinVar:

NM_000465.4(BARD1):c.1018A>T (p.Ile340Phe)

Gene: BARD1 (BRCA1 associated RING domain 1; minus strand). Cytogenetic location: 2q35.
Variant type: single nucleotide variant.
Coding change: c.1018A>T on transcript NM_000465.4 (MANE Select); coding-DNA position 1018, A replaced by T.
Protein change: p.Ile340Phe; replaces isoleucine 340 with phenylalanine.
Molecular consequence: missense variant. On other transcripts: non-coding transcript variant (2), intron variant (3).
Genome position (GRCh38, 1-based): chr2:214,780,856, T>A on the plus strand (A>T on the coding strand, the complement: BARD1 is on the minus strand). VCF-style: chr2-214780856-T-A. GRCh37 (hg19) VCF-style: chr2-215645580-T-A.
Other names: c.961A>T, p.Ile321Phe (NM_001282543.2); c.159-28301A>T (NM_001282548.2); c.215+16205A>T (NM_001282545.2); c.364+11441A>T (NM_001282549.2); short protein forms I340F, I321F.
Identifiers: ClinVar variation 237813 (VCV000237813.12), dbSNP rs878853994, ClinGen allele CA10581932.

ClinVar aggregate classification (germline): Uncertain significance. Review status: criteria provided, multiple submitters, no conflicts (2 of 4 stars). 2 submissions from 2 submitters: Uncertain significance (2). Last evaluated 2021-07-20.

Conditions:
Hereditary cancer-predisposing syndrome. Also called: Neoplastic Syndromes, Hereditary; Hereditary neoplastic syndrome; Tumor predisposition; Hereditary Cancer Syndrome. Identifiers: Orphanet 140162, MedGen C0027672, MeSH D009386, MONDO:0015356.
Familial cancer of breast. Also called: BREAST CANCER, FAMILIAL; hereditary breast carcinoma; Hereditary breast cancer. Identifiers: Orphanet 227535, MedGen C0346153, MONDO:0016419, OMIM 114480. Disease mechanism: loss of function.

Submissions (2):

Ambry Genetics
Classification: Uncertain significance for Hereditary cancer-predisposing syndrome. Last evaluated: 2021-07-20. Review status: criteria provided, single submitter. Criteria: Ambry Variant Classification Scheme 2023. Collection method: clinical testing. Allele origin: germline.
Comment: The p.I340F variant (also known as c.1018A>T), located in coding exon 4 of the BARD1 gene, results from an A to T substitution at nucleotide position 1018. The isoleucine at codon 340 is replaced by phenylalanine, an amino acid with highly similar properties. This amino acid position is conserved. In addition, this alteration is predicted to be tolerated by in silico analysis. Since supporting evidence is limited at this time, the clinical significance of this alteration remains unclear.

Labcorp Genetics (formerly Invitae), Labcorp
Classification: Uncertain significance for Familial cancer of breast. Last evaluated: 2016-03-12. Review status: criteria provided, single submitter. Criteria: Invitae Variant Classification Sherloc (09022015). Collection method: clinical testing. Allele origin: germline.
Comment: This sequence change replaces isoleucine with phenylalanine at codon 340 of the BARD1 protein (p.Ile340Phe). The isoleucine residue is moderately conserved and there is a small physicochemical difference between isoleucine and phenylalanine. In summary, this variant is a novel missense change that is not predicted to affect protein function. There is no indication that it causes disease, but the available evidence is currently insufficient to prove that conclusively. Therefore, it has been classified as a Variant of Uncertain Significance. This variant is not present in population databases (ExAC no frequency) and has not been reported in the literature in individuals with a BARD1-related disease. Algorithms developed to predict the effect of missense changes on protein structure and function (SIFT, PolyPhen-2, Align-GVGD) all suggest that this variant is likely to be tolerated, but these predictions have not been confirmed by published functional studies.